The following is an entry in ClinVar:

NM_033400.3(ZFHX2):c.2070C>T (p.His690=)

Genes: THTPA (thiamine triphosphatase; plus strand), ZFHX2 (zinc finger homeobox 2; minus strand). Cytogenetic location: 14q11.2.
Variant type: single nucleotide variant.
Coding change: c.2070C>T on transcript NM_033400.3 (MANE Select); coding-DNA position 2070, C replaced by T.
Protein change: p.His690=; no amino-acid change (histidine 690 retained).
Molecular consequence: synonymous variant.
Genome position (GRCh38, 1-based): chr14:23,533,056, G>A on the plus strand (C>T on the coding strand, the complement: ZFHX2 is on the minus strand). VCF-style: chr14-23533056-G-A. GRCh37 (hg19) VCF-style: chr14-24002265-G-A.
Identifiers: ClinVar variation 3047594 (VCV003047594.3), dbSNP rs1385625307, ClinGen allele CA485770926.
Genomic context (GRCh38, chr14:23,533,056, plus strand): 5'-TGGGGGTGGTGAGGTGGGCAGGCTGTCAGATGAGGAACCCAGGAGCTGACTTGGAGGCAG[G>A]TGGGCATCAGGGGATAGGCTTCCAGGGGCTAGAGGACAGAGACAGATTAGTGGCCCAAGA-3'
Protein context (NP_207646.2, residues 680-700): SAPGSLSPDA[His690=]LPPSQLLGSS

ClinVar aggregate classification (germline): Likely benign. Review status: criteria provided, single submitter (1 of 4 stars). 2 submissions from 2 submitters: Likely benign (1). 1 of the submissions does not count toward it. Last evaluated 2024-11-14.

Conditions:
ZFHX2-related disorder. Also called: ZFHX2-related condition.

Allele frequency attached by ClinVar (database versions not stated): TOPMed 0.00002; gnomAD 0.00003.
gnomAD v4.1: 47 of 1,533,500 alleles (0.0031%); highest among the groups gnomAD compares: East Asian, 0.029%; no homozygotes.

Submissions (2):

Blueprint Genetics
Classification: Likely benign. Last evaluated: 2024-11-14. Review status: criteria provided, single submitter. Criteria: ACMG Guidelines, 2015. Collection method: clinical testing. Allele origin: germline.

PreventionGenetics, part of Exact Sciences
Classification: Likely benign for ZFHX2-related condition. Last evaluated: 2019-02-22. Review status: no assertion criteria provided. Collection method: clinical testing. Allele origin: germline. Not counted in ClinVar's aggregate classification.
Comment: This variant is classified as likely benign based on ACMG/AMP sequence variant interpretation guidelines (Richards et al. 2015 PMID: 25741868, with internal and published modifications).